The following is an entry in ClinVar:

ClinVar aggregate classification (germline): Likely pathogenic (0 of 4 stars; one submission).
ClinVar aggregate classification (somatic clinical impact): Tier III - Unknown (1 of 4 stars; one submission).

Conditions:
Malignant lymphoma, large B-cell, diffuse. Also called: Diffuse large B cell lymphoma. Identifiers: Orphanet 544, MedGen C0079744, MeSH D016403, MONDO:0018905.
Primary central nervous system lymphoma. Identifiers: Orphanet 46135, MedGen C0280803, MONDO:0002571, HP:0030069.

Allele frequency attached by ClinVar (database versions not stated): gnomAD exomes below 0.00001; TOPMed below 0.00001.
gnomAD v4.1: 3 of 1,613,888 alleles (0.00019%); highest among the groups gnomAD compares: Non-Finnish European, 0.00017%; no homozygotes.

Submissions (2):

National Institute of Cancer Research, National Health Research Institutes
Classification: Tier III - Unknown for Primary central nervous system lymphoma. Review status: criteria provided, single submitter. Criteria: AMP/ASCO/CAP Guidelines, 2017. Collection method: clinical testing. Allele origin: somatic. Affected: yes.

Wasik Lab, Fox Chase Cancer Center
Classification: Likely pathogenic for Malignant lymphoma, large B-cell, diffuse. Last evaluated: 2023-07-25. Review status: no assertion criteria provided. Collection method: clinical testing. Allele origin: somatic. Inheritance: Somatic mutation. Affected: yes. Observed: 1 heterozygote.
Comment: Despite an initial good clinical response to BTK inhibitor ibrutinib, anti-CD20 antibody rituxan, alkylating agent bendamustine, and hematopoietic stem-cell transplant, the lymphoma relapsed, accompanied by morphologic and molecular evidence of disease progression. At presentation and relapse, hallmark genomic changes affecting chronic active B-cell and Toll-like receptor (TLR) signaling pathways were present. These changes promote constitutive activation of NF-kB, a transcription factor which regulates many genes that drive B-cell proliferation and survival (Baldwin 2001). B-cell clonality studies identified a dominant B-cell clone with heavy chain IGHV4-34; IGHD3-16; IGHJ4. This variant is present in one-third of ABC DLBC cases and plays an important role in initiation and perpetuation of BCR signaling. The signaling initiation is proposed to result from binding of self antigens such as glycoproteins with N-acetyl-lactosamine sugars, driving chronic active BCR signaling (Young et al. 2019). Mutation of the BCR component CD79B Y196H was seen initially. At relapse, this variant was accompanied by DNA copy number gain associated with increased RNA expression, strongly suggestive of an oncogenic role. Mutations affecting the ITAM motifs of either CD79A or CD79B are present in ~30% of ABC DLBCL (Young et al. 2019), with the CD79B Y196H mutation being one of the most frequent. The Y196H mutation eliminates the phosphorylation site of the first ITAM, which is thought to impair BCR internalization, resulting in sustained BCR signaling (Baldwin 2001) and proliferation of malignant B cells.

Literature cited by the submitters: PubMed 11160144 (cited by Wasik Lab, Fox Chase Cancer Center); PubMed 31402495 (cited by Wasik Lab, Fox Chase Cancer Center).

NM_000626.4(CD79B):c.586T>C (p.Tyr196His)

Genes: CD79B (CD79b molecule; minus strand), GH-LCR (growth hormone locus control region; plus strand). Cytogenetic location: 17q23.3.
Variant type: single nucleotide variant.
Coding change: c.586T>C on transcript NM_000626.4 (MANE Select); coding-DNA position 586, T replaced by C.
Protein change: p.Tyr196His; replaces tyrosine 196 with histidine.
Molecular consequence: missense variant.
Genome position (GRCh38, 1-based): chr17:63,929,439, A>G on the plus strand (T>C on the coding strand, the complement: CD79B is on the minus strand). VCF-style: chr17-63929439-A-G. GRCh37 (hg19) VCF-style: chr17-62006799-A-G.
Other names: c.589T>C, p.Tyr197His (NM_001039933.3); c.277T>C, p.Tyr93His (NM_001329050.2); c.274T>C, p.Tyr92His (NM_021602.4); short protein forms Y196H, Y197H, Y92H, Y93H.
Identifiers: ClinVar variation 2573989 (VCV002573989.3), dbSNP rs1907977856, ClinGen allele CA400603662.